The following continues an entry in ClinVar:

NM_001267550.2(TTN):c.80635C>A (p.Gln26879Lys)

ClinVar aggregate classification (germline): Benign/Likely benign. Benign (17); Likely benign (5).

Submissions 21 to 29 of 29:

Laboratory for Molecular Medicine, Mass General Brigham Personalized Medicine
Classification: Benign. Last evaluated: 2012-04-24. Review status: criteria provided, single submitter. Criteria: LMM Criteria. Collection method: clinical testing. Allele origin: germline. Observed: 28 variant alleles.
Comment: Gln24311Lys in exon 275 of TTN: This variant is not expected to have clinical si gnificance because it has been identified in 4.5% (137/3025) of African American chromosomes from a broad population by the NHLBI Exome Sequencing Project.

Breakthrough Genomics
Classification: Likely benign. Review status: criteria provided, single submitter. Criteria: ACMG Guidelines, 2015. Collection method: not provided. Allele origin: germline. Inheritance: Autosomal recessive inheritance. Affected: yes.

PreventionGenetics, part of Exact Sciences
Classification: Benign for TTN-related condition. Last evaluated: 2019-05-20. Review status: no assertion criteria provided. Collection method: clinical testing. Allele origin: germline. Not counted in ClinVar's aggregate classification.
Comment: This variant is classified as benign based on ACMG/AMP sequence variant interpretation guidelines (Richards et al. 2015 PMID: 25741868, with internal and published modifications).

Clinical Genetics DNA and cytogenetics Diagnostics Lab, Erasmus MC, Erasmus Medical Center
Classification: Benign. Review status: no assertion criteria provided. Collection method: clinical testing. Allele origin: germline. Affected: yes. Study: VKGL Data-share Consensus. Not counted in ClinVar's aggregate classification.

Clinical Genetics, Academic Medical Center
Classification: Benign. Review status: no assertion criteria provided. Collection method: clinical testing. Allele origin: germline. Affected: yes. Study: VKGL Data-share Consensus. Not counted in ClinVar's aggregate classification.

Diagnostic Laboratory, Department of Genetics, University Medical Center Groningen
Classification: Likely benign. Review status: no assertion criteria provided. Collection method: clinical testing. Allele origin: germline. Affected: yes. Study: VKGL Data-share Consensus. Not counted in ClinVar's aggregate classification.

Genome Diagnostics Laboratory, University Medical Center Utrecht
Classification: Likely benign. Review status: no assertion criteria provided. Collection method: clinical testing. Allele origin: germline. Affected: yes. Study: VKGL Data-share Consensus. Not counted in ClinVar's aggregate classification.

Joint Genome Diagnostic Labs from Nijmegen and Maastricht, Radboudumc and MUMC+
Classification: Benign. Review status: no assertion criteria provided. Collection method: clinical testing. Allele origin: germline. Affected: yes. Study: VKGL Data-share Consensus. Not counted in ClinVar's aggregate classification.

Laboratory of Diagnostic Genome Analysis, Leiden University Medical Center (LUMC)
Classification: Likely benign. Review status: no assertion criteria provided. Collection method: clinical testing. Allele origin: germline. Affected: yes. Study: VKGL Data-share Consensus. Not counted in ClinVar's aggregate classification.